The following is an entry in ClinVar:

NM_006231.4(POLE):c.319G>A (p.Ala107Thr)

Gene: POLE (DNA polymerase epsilon, catalytic subunit; minus strand). Cytogenetic location: 12q24.33.
Variant type: single nucleotide variant.
Coding change: c.319G>A on transcript NM_006231.4 (MANE Select); coding-DNA position 319, G replaced by A.
Protein change: p.Ala107Thr; replaces alanine 107 with threonine.
Molecular consequence: missense variant.
Genome position (GRCh38, 1-based): chr12:132,680,189, C>T on the plus strand (G>A on the coding strand, the complement: POLE is on the minus strand). VCF-style: chr12-132680189-C-T. GRCh37 (hg19) VCF-style: chr12-133256775-C-T.
Other names: short protein forms A107T.
Identifiers: ClinVar variation 1484831 (VCV001484831.11), dbSNP rs2136029614, ClinGen allele CA387368624.
Genomic context (GRCh38, chr12:132,680,189, plus strand): 5'-ACAGAATGACACACAGGTCGTCTGACCTGAGTCTATGAAACACACTCACCTTTCTGGTCG[C>T]AATGTAGAAATACGGTTTATAGGGCAAAGCCACCTGTTAAGAGTCACCAACCCATCCAGG-3'
Protein context (NP_006222.2, residues 97-117): ALPYKPYFYI[Ala107Thr]TRKGCEREVS

ClinVar aggregate classification (germline): Uncertain significance. Review status: criteria provided, multiple submitters, no conflicts (2 of 4 stars). 2 submissions from 2 submitters: Uncertain significance (2). Last evaluated 2025-11-02.

Conditions:
Hereditary cancer-predisposing syndrome. Also called: Hereditary neoplastic syndrome; Neoplastic Syndromes, Hereditary; Hereditary Cancer Syndrome; Tumor predisposition. Identifiers: Orphanet 140162, MedGen C0027672, MeSH D009386, MONDO:0015356.

Submissions (2):

Ambry Genetics
Classification: Uncertain significance for Hereditary cancer-predisposing syndrome. Last evaluated: 2025-11-02. Review status: criteria provided, single submitter. Criteria: Ambry Variant Classification Scheme 2023. Collection method: clinical testing. Allele origin: germline.
Comment: The p.A107T variant (also known as c.319G>A), located in coding exon 4 of the POLE gene, results from a G to A substitution at nucleotide position 319. The alanine at codon 107 is replaced by threonine, an amino acid with similar properties. This amino acid position is conserved. In addition, the in silico prediction for this alteration is inconclusive. Since supporting evidence is limited at this time, the clinical significance of this alteration remains unclear.

Labcorp Genetics (formerly Invitae), Labcorp
Classification: Uncertain significance. Last evaluated: 2023-04-07. Review status: criteria provided, single submitter. Criteria: Invitae Variant Classification Sherloc (09022015). Collection method: clinical testing. Allele origin: germline.
Comment: In summary, the available evidence is currently insufficient to determine the role of this variant in disease. Therefore, it has been classified as a Variant of Uncertain Significance. This sequence change replaces alanine, which is neutral and non-polar, with threonine, which is neutral and polar, at codon 107 of the POLE protein (p.Ala107Thr). This variant is not present in population databases (gnomAD no frequency). This variant has not been reported in the literature in individuals affected with POLE-related conditions. ClinVar contains an entry for this variant (Variation ID: 1484831). Advanced modeling of protein sequence and biophysical properties (such as structural, functional, and spatial information, amino acid conservation, physicochemical variation, residue mobility, and thermodynamic stability) performed at Invitae indicates that this missense variant is not expected to disrupt POLE protein function.